The following is an entry in ClinVar:

NM_001205019.2(GK):c.1144G>A (p.Ala382Thr)

Gene: GK (glycerol kinase; plus strand). Cytogenetic location: Xp21.2.
Variant type: single nucleotide variant.
Coding change: c.1144G>A on transcript NM_001205019.2 (MANE Select); coding-DNA position 1144, G replaced by A.
Protein change: p.Ala382Thr; replaces alanine 382 with threonine.
Molecular consequence: missense variant. On other transcripts: non-coding transcript variant (7).
Genome position (GRCh38, 1-based): chrX:30,719,508, G>A. VCF-style: chrX-30719508-G-A. GRCh37 (hg19) VCF-style: chrX-30737625-G-A.
Other names: c.1126G>A, p.Ala376Thr (NM_000167.6, NM_001128127.3); c.1210G>A, p.Ala404Thr (NM_001399987.1); c.1144G>A, p.Ala382Thr (NM_203391.4); short protein forms A382T, A404T, A376T.
Identifiers: ClinVar variation 3100021 (VCV003100021.3), dbSNP rs753857355, ClinGen allele CA412641220.
Genomic context (GRCh38, chrX:30,719,508, plus strand): 5'-TATGGCTGCTACTTCGTCCCAGCATTTTCGGGGTTATATGCACCTTATTGGGAGCCCAGC[G>A]CAAGAGGGTAAGTATTGAAAATATGGAGTGCTTTTGGGGATCTTGATTTATTTACCAAAG-3'
Protein context (NP_001191948.1, residues 372-392): GLYAPYWEPS[Ala382Thr]RGIICGLTQF

ClinVar aggregate classification (germline): Conflicting classifications of pathogenicity. Review status: criteria provided, conflicting classifications (1 of 4 stars). 2 submissions from 2 submitters: Likely pathogenic (1); Uncertain significance (1). Last evaluated 2024-04-24.

Conditions:
Inborn genetic diseases. Identifiers: MedGen C0950123, MeSH D030342.

Submissions (2):

Ambry Genetics
Classification: Likely pathogenic for Inborn genetic diseases. Last evaluated: 2024-04-24. Review status: criteria provided, single submitter. Criteria: Ambry Variant Classification Scheme 2023. Collection method: clinical testing. Allele origin: germline.
Comment: The c.1126G>A (p.A376T) alteration is located in exon 14 (coding exon 14) of the GK gene. This alteration results from a G to A substitution at nucleotide position 1126, causing the alanine (A) at amino acid position 376 to be replaced by a threonine (T). This variant was not reported in population-based cohorts in the Genome Aggregation Database (gnomAD). This amino acid position is highly conserved in available vertebrate species. This missense alteration is located in a region that has a low rate of benign missense variation (Lek, 2016; Firth, 2009). This alteration is predicted to be deleterious by in silico analysis. Based on the available evidence, this alteration is classified as likely pathogenic.

Blueprint Genetics
Classification: Uncertain significance. Last evaluated: 2024-03-05. Review status: criteria provided, single submitter. Criteria: ACMG Guidelines, 2015. Collection method: clinical testing. Allele origin: germline.